The following is an entry in ClinVar:

NM_001291303.3(FAT4):c.10788G>A (p.Met3596Ile)

Gene: FAT4 (FAT atypical cadherin 4; plus strand). Cytogenetic location: 4q28.1.
Variant type: single nucleotide variant.
Coding change: c.10788G>A on transcript NM_001291303.3 (MANE Select); coding-DNA position 10788, G replaced by A.
Protein change: p.Met3596Ile; replaces methionine 3596 with isoleucine.
Molecular consequence: missense variant.
Genome position (GRCh38, 1-based): chr4:125,451,798, G>A. VCF-style: chr4-125451798-G-A. GRCh37 (hg19) VCF-style: chr4-126372953-G-A.
Other names: c.10788G>A, p.Met3596Ile (NM_001291285.3); c.10782G>A, p.Met3594Ile (NM_024582.6); short protein forms M3594I, M3596I.
Identifiers: ClinVar variation 1516959 (VCV001516959.6), dbSNP rs1447514638, ClinGen allele CA358159740.

ClinVar aggregate classification (germline): Uncertain significance (1 of 4 stars; one submission).

Allele frequency attached by ClinVar (database versions not stated): gnomAD exomes below 0.00001 and 0.00001.
gnomAD v4.1: 5 of 1,614,156 alleles (0.00031%); highest among the groups gnomAD compares: Non-Finnish European, 0.00042%; no homozygotes.

Submission:

Labcorp Genetics (formerly Invitae), Labcorp
Classification: Uncertain significance. Last evaluated: 2021-09-02. Review status: criteria provided, single submitter. Criteria: Invitae Variant Classification Sherloc (09022015). Collection method: clinical testing. Allele origin: germline.
Comment: In summary, the available evidence is currently insufficient to determine the role of this variant in disease. Therefore, it has been classified as a Variant of Uncertain Significance. This sequence change replaces methionine with isoleucine at codon 3594 of the FAT4 protein (p.Met3594Ile). The methionine residue is highly conserved and there is a small physicochemical difference between methionine and isoleucine. This variant is not present in population databases (ExAC no frequency). This variant has not been reported in the literature in individuals affected with FAT4-related conditions. Advanced modeling of protein sequence and biophysical properties (such as structural, functional, and spatial information, amino acid conservation, physicochemical variation, residue mobility, and thermodynamic stability) performed at Invitae indicates that this missense variant is not expected to disrupt FAT4 protein function.